The following is an entry in ClinVar:

ClinVar aggregate classification (germline): Benign. Review status: criteria provided, single submitter (1 of 4 stars). 2 submissions from 2 submitters: Benign (1). 1 of the submissions does not count toward it. Last evaluated 2023-07-25.

Conditions:
SETD5-related disorder. Also called: SETD5-related disorders; SETD5-related condition.

Allele frequency attached by ClinVar (database versions not stated): gnomAD 0.00001; TOPMed 0.00001; ExAC 0.00002.
gnomAD v4.1: 27 of 1,613,826 alleles (0.0017%); highest among the groups gnomAD compares: Middle Eastern, 0.016%; no homozygotes.

Submissions (2):

Labcorp Genetics (formerly Invitae), Labcorp
Classification: Benign. Last evaluated: 2023-07-25. Review status: criteria provided, single submitter. Criteria: Invitae Variant Classification Sherloc (09022015). Collection method: clinical testing. Allele origin: germline.

PreventionGenetics, part of Exact Sciences
Classification: Likely benign for SETD5-related condition. Last evaluated: 2024-08-13. Review status: no assertion criteria provided. Collection method: clinical testing. Allele origin: germline. Not counted in ClinVar's aggregate classification.
Comment: This variant is classified as likely benign based on ACMG/AMP sequence variant interpretation guidelines (Richards et al. 2015 PMID: 25741868, with internal and published modifications).

NM_001080517.3(SETD5):c.246G>A (p.Pro82=)

Gene: SETD5 (SET domain containing 5; plus strand). Cytogenetic location: 3p25.3.
Variant type: single nucleotide variant.
Coding change: c.246G>A on transcript NM_001080517.3 (MANE Select); coding-DNA position 246, G replaced by A.
Protein change: p.Pro82=; no amino-acid change (proline 82 retained).
Molecular consequence: synonymous variant. On other transcripts: 5 prime UTR variant (2).
Genome position (GRCh38, 1-based): chr3:9,434,402, G>A. VCF-style: chr3-9434402-G-A. GRCh37 (hg19) VCF-style: chr3-9476086-G-A.
Other names: c.246G>A (NM_001080517.2); c.-88G>A (NM_001292043.2); c.-129G>A (NM_001349451.2).
Identifiers: ClinVar variation 3011341 (VCV003011341.4), dbSNP rs772584176, ClinGen allele CA2238897.